The following is an entry in ClinVar:

NM_152564.5(VPS13B):c.8133C>T (p.Tyr2711=)

Gene: VPS13B (vacuolar protein sorting 13 homolog B; plus strand). Cytogenetic location: 8q22.2.
Variant type: single nucleotide variant.
Coding change: c.8133C>T on transcript NM_152564.5 (MANE Select); coding-DNA position 8133, C replaced by T.
Protein change: p.Tyr2711=; no amino-acid change (tyrosine 2711 retained).
Molecular consequence: synonymous variant.
Genome position (GRCh38, 1-based): chr8:99,817,575, C>T. VCF-style: chr8-99817575-C-T. GRCh37 (hg19) VCF-style: chr8-100829803-C-T.
Other names: c.8208C>T, p.Tyr2736= (NM_017890.5).
Identifiers: ClinVar variation 2157113 (VCV002157113.5), dbSNP rs373542052, ClinGen allele CA4824396.

ClinVar aggregate classification (germline): Likely benign. Review status: criteria provided, multiple submitters, no conflicts (2 of 4 stars). 2 submissions from 2 submitters: Likely benign (2). Last evaluated 2026-07-23.

Conditions:
VPS13B-related disorder. Also called: VPS13B-related condition.
Cohen syndrome (COH1). Also called: PEPPER SYNDROME; Cutis verticis gyrata, retinitis pigmentosa, and sensorineural deafness. Identifiers: Orphanet 193, MedGen C0265223, MONDO:0008999, OMIM 216550.

Allele frequency attached by ClinVar (database versions not stated): ExAC 0.00001; TOPMed 0.00002; gnomAD 0.00003; ESP Exome Variant Server 0.00008.
gnomAD v4.1: 4 of 1,613,908 alleles (0.00025%); highest among the groups gnomAD compares: African/African-American, 0.0053%; no homozygotes.

Submissions (2):

PreventionGenetics, part of Exact Sciences
Classification: Likely benign for VPS13B-related condition. Last evaluated: 2026-07-23. Review status: criteria provided, single submitter. Criteria: ACMG Guidelines, 2015. Collection method: clinical testing. Allele origin: germline.
Comment: This variant is classified as likely benign based on ACMG/AMP sequence variant interpretation guidelines (Richards et al. 2015 PMID: 25741868, with internal and published modifications).

Labcorp Genetics (formerly Invitae), Labcorp
Classification: Likely benign for Cohen syndrome. Last evaluated: 2025-06-29. Review status: criteria provided, single submitter. Criteria: Invitae Variant Classification Sherloc (09022015). Collection method: clinical testing. Allele origin: germline.